The following is an entry in ClinVar:

ClinVar aggregate classification (germline): Uncertain significance (1 of 4 stars; one submission).

Conditions:
Epileptic encephalopathy. Identifiers: MedGen C0543888, HP:0200134.

Submission:

Labcorp Genetics (formerly Invitae), Labcorp
Classification: Uncertain significance for Epileptic encephalopathy. Last evaluated: 2024-03-02. Review status: criteria provided, single submitter. Criteria: Invitae Variant Classification Sherloc (09022015). Collection method: clinical testing. Allele origin: germline.
Comment: This sequence change replaces threonine, which is neutral and polar, with serine, which is neutral and polar, at codon 1273 of the FASN protein (p.Thr1273Ser). This variant is not present in population databases (gnomAD no frequency). This variant has not been reported in the literature in individuals affected with FASN-related conditions. An algorithm developed to predict the effect of missense changes on protein structure and function (PolyPhen-2) suggests that this variant is likely to be tolerated. In summary, the available evidence is currently insufficient to determine the role of this variant in disease. Therefore, it has been classified as a Variant of Uncertain Significance.

NM_004104.5(FASN):c.3818C>G (p.Thr1273Ser)

Gene: FASN (fatty acid synthase; minus strand). Cytogenetic location: 17q25.3.
Variant type: single nucleotide variant.
Coding change: c.3818C>G on transcript NM_004104.5 (MANE Select); coding-DNA position 3818, C replaced by G.
Protein change: p.Thr1273Ser; replaces threonine 1273 with serine.
Molecular consequence: missense variant.
Genome position (GRCh38, 1-based): chr17:82,085,786, G>C on the plus strand (C>G on the coding strand, the complement: FASN is on the minus strand). VCF-style: chr17-82085786-G-C. GRCh37 (hg19) VCF-style: chr17-80043662-G-C.
Other names: short protein forms T1273S.
Identifiers: ClinVar variation 3642276 (VCV003642276.2).